The following is an entry in ClinVar:

ClinVar aggregate classification (germline): Conflicting classifications of pathogenicity. Review status: criteria provided, conflicting classifications (1 of 4 stars). 19 submissions from 19 submitters: Pathogenic (1); Likely pathogenic (15); Uncertain significance (3). Last evaluated 2026-08-10.

Conditions:
MYH7-related disorder. Also called: MYH7-related condition; MYH7-related disease; MYH7-related disorders.
Cardiovascular phenotype. Identifiers: MedGen CN230736.
Hypertrophic cardiomyopathy 1 (CMH1). Also called: Familial hypertrophic cardiomyopathy 1; MYH7-Related Familial Hypertrophic Cardiomyopathy. Identifiers: MedGen C3495498, MONDO:0008647, OMIM 192600.
Dilated cardiomyopathy 1S (CMD1S). Identifiers: Orphanet 154, Orphanet 54260, MedGen C1834481, MONDO:0013262, OMIM 613426.
Cardiomyopathy (CMYO). Also called: Cardiomyopathies. Identifiers: Orphanet 167848, MedGen C0878544, MONDO:0004994, HP:0001638. Inheritance: Various modes of inheritance.
Primary familial hypertrophic cardiomyopathy (HCM). Identifiers: Orphanet 99739, MedGen C0949658, MeSH D024741, MONDO:0024573. Inheritance: Various modes of inheritance.
Hypertrophic cardiomyopathy. Also called: HYPERTROPHIC MYOCARDIOPATHY. Identifiers: Orphanet 217569, MedGen C0007194, MeSH D002312, MONDO:0005045, HP:0001639.

Allele frequency attached by ClinVar (database versions not stated): gnomAD 0.00001; TOPMed 0.00001; gnomAD exomes 0.00001 and below 0.00001; ExAC 0.00001.
gnomAD v4.1: 15 of 1,613,394 alleles (0.00093%); highest among the groups gnomAD compares: Middle Eastern, 0.036%; no homozygotes.

Submissions 1 to 7 of 19:

PreventionGenetics, part of Exact Sciences
Classification: Likely pathogenic for MYH7-related condition. Last evaluated: 2026-08-10. Review status: criteria provided, single submitter. Criteria: ACMG Guidelines, 2015. Collection method: clinical testing. Allele origin: germline.
Comment: The MYH7 c.4145G>A variant is predicted to result in the amino acid substitution p.Arg1382Gln. This variant has been reported in the heterozygous state in many individuals with hypertrophic cardiomyopathy (HCM) (see, for example: Nunez et al. 2013. PubMed ID: 23782526; Zou et al. 2013. PubMed ID: 23283745; Table S1B, Walsh et al. 2017. PubMed ID: 27532257; García-Molina et al. 2019. PubMed ID: 30972196; Table S2, Robyns et al. 2020. PubMed ID: 31513939; Additional File 2, Hathaway et al. 2021. PubMed ID: 33673806; Table S8, McGurk et al. 2023. PubMed ID: 37652022; Pérez-Sánchez et al. 2017. PubMed ID: 28687478). A meta-analysis on variant-specific penetrance in cardiomyopathy-associated genes reported this variant as having intermediate penetrance in the general population (Table S10, McGurk et al. 2023. PubMed ID: 37652022). This variant is reported in 1 out of 16,256 alleles in individuals of African descent in gnomAD. In ClinVar, this variant has conflicting interpretations of pathogenicity, ranging from uncertain to likely pathogenic (ClinVar ID: 177788). Taken together, this variant is interpreted as likely pathogenic.

Women's Health and Genetics/Laboratory Corporation of America, LabCorp
Classification: Likely pathogenic for Primary familial hypertrophic cardiomyopathy. Last evaluated: 2026-02-19. Review status: criteria provided, single submitter. Criteria: LabCorp Variant Classification Summary - May 2015. Collection method: clinical testing. Allele origin: germline.
Comment: Variant summary: MYH7 c.4145G>A (p.Arg1382Gln) results in a conservative amino acid change in the encoded protein sequence. Algorithms developed to predict the effect of missense changes on protein structure and function are either unavailable or do not agree on the potential impact of this missense change. The variant allele was found at a frequency of 4e-06 in 251860 control chromosomes. c.4145G>A has been observed in individuals affected with Hypertrophic Cardiomyopathy (examples, Bick_2012, Hathaway_2021, Nunez_2013, Ruklisa_2015, Sabater-Molina_2013, Zou_2013, internal data). These data indicate that the variant is likely to be associated with disease. To our knowledge, no experimental evidence demonstrating an impact on protein function has been reported. The following publications have been ascertained in the context of this evaluation (PMID: 22958901, 33673806, 23782526, 25649125, 23283745). ClinVar contains an entry for this variant (Variation ID: 177788). Based on the evidence outlined above, the variant was classified as likely pathogenic.

Labcorp Genetics (formerly Invitae), Labcorp
Classification: Likely pathogenic for Hypertrophic cardiomyopathy. Last evaluated: 2026-01-14. Review status: criteria provided, single submitter. Criteria: Invitae Variant Classification Sherloc (09022015). Collection method: clinical testing. Allele origin: germline.
Comment: This sequence change replaces arginine, which is basic and polar, with glutamine, which is neutral and polar, at codon 1382 of the MYH7 protein (p.Arg1382Gln). This variant is present in population databases (rs727504325, gnomAD 0.007%). This missense change has been observed in individuals with clinical features of hypertrophic cardiomyopathy (PMID: 23283745, 23782526, 25132132, 27532257, 30972196, 31513939, 31941943, 33673806; internal data). ClinVar contains an entry for this variant (Variation ID: 177788). Invitae Evidence Modeling of protein sequence and biophysical properties (such as structural, functional, and spatial information, amino acid conservation, physicochemical variation, residue mobility, and thermodynamic stability) indicates that this missense variant is expected to disrupt MYH7 protein function with a positive predictive value of 95%. In summary, the currently available evidence indicates that the variant is pathogenic, but additional data are needed to prove that conclusively. Therefore, this variant has been classified as Likely Pathogenic.

GeneDx
Classification: Likely pathogenic. Last evaluated: 2025-10-08. Review status: criteria provided, single submitter. Criteria: GeneDx Variant Classification Process June 2021. Collection method: clinical testing. Allele origin: germline. Affected: yes.
Comment: Not observed at significant frequency in large population cohorts (gnomAD); In silico analysis supports that this missense variant has a deleterious effect on protein structure/function; This variant is associated with the following publications: (PMID: 22958901, 27247418, 23782526, 23283745, 27532257, 24047955, 30972196, 31513939, 25132132, 28687478, 31941943, 31447099, 33673806, 28606303, Li_2024_Article, 37652022, 37937776, 39486665)

3billion
Classification: Likely pathogenic for Hypertrophic cardiomyopathy 1. Last evaluated: 2025-07-30. Review status: criteria provided, single submitter. Criteria: ACMG Guidelines, 2015. Collection method: clinical testing. Allele origin: germline. Affected: yes.
Comment: The variant is observed at an extremely low frequency in the gnomAD v4.1.0 dataset (total allele frequency: <0.001%). Predicted Consequence/Location: Missense variant In silico tool predictions suggest damaging effect of the variant on gene or gene product [REVEL: 0.79 (>=0.6, sensitivity 0.68 and specificity 0.92); 3Cnet: 0.99 (> 0.75, sensitivity 0.96 and precision 0.92)]. The same nucleotide change resulting in the same amino acid change has been previously reported as pathogenic/likely pathogenic with strong evidence (ClinVar ID: VCV000177788 /PMID: 23283745). A different missense change at the same codon (p.Arg1382Trp) has been reported to be associated with MYH7-related disorder (ClinVar ID: VCV000181389 /PMID: 12707239). Therefore, this variant is classified as Likely pathogenic according to the recommendation of ACMG/AMP guideline.

Variantyx, Inc.
Classification: Likely pathogenic for Hypertrophic cardiomyopathy 1. Last evaluated: 2025-07-21. Review status: criteria provided, single submitter. Criteria: Variantyx Assertion Criteria 2022. Collection method: clinical testing. Allele origin: germline. Inheritance: Autosomal dominant inheritance. Affected: yes.
Comment: This is a nonsynonymous variant in the MYH7 gene (OMIM: 160760). Pathogenic variants in this gene have been associated with autosomal dominant hypertrophic cardiomyopathy 1. This variant has been reported in multiple unrelated affected individuals (PMID: 23283745, 27532257, 30972196, 31447099, 33673806, 23782526) (PS4_Moderate). two alternate amino acid changes at this position (p.Arg1382Leu and p.Arg1382Trp) have been previously reported, however, their pathogenicity have not been fully established (PMID: 27532257, 28138913) (PM5_Supporting). Multiple computational algorithms predict a deleterious effect for this variant (REVEL score: 0.793) (PP3). This variant has a 0.0027% maximum allele frequency in non-founder control populations (PM2). Based on the current evidence, this variant is classified as likely pathogenic for autosomal dominant hypertrophic cardiomyopathy 1.

Ambry Genetics
Classification: Likely pathogenic for Cardiovascular phenotype. Last evaluated: 2025-07-09. Review status: criteria provided, single submitter. Criteria: Ambry Variant Classification Scheme 2023. Collection method: clinical testing. Allele origin: germline.
Comment: The p.R1382Q variant (also known as c.4145G>A), located in coding exon 28 of the MYH7 gene, results from a G to A substitution at nucleotide position 4145. The arginine at codon 1382 is replaced by glutamine, an amino acid with highly similar properties. This variant was reported in individual(s) with features consistent with hypertrophic cardiomyopathy (N&uacute;&ntilde;ez L et al. Circ. J. 2013; 77(9):2358-65; Zou Y et al. Mol. Biol. Rep. 2013 Jun; 40(6):3969-76; Kassem HS et al. Egyptian J of Med Hum Genet. 2017; 18:381-387; Walsh R et al. Genet. Med. 2017;19:192-203; Garc&iacute;a-Molina E et al. Am J Transl Res, 2019 Mar;11:1724-1735; Ambry internal data; external communication). This amino acid position is highly conserved in available vertebrate species. In addition, this alteration is predicted to be deleterious by in silico analysis. Based on the majority of available evidence to date, this variant is likely to be pathogenic.

NM_000257.4(MYH7):c.4145G>A (p.Arg1382Gln)

Gene: MYH7 (myosin heavy chain 7; minus strand). Cytogenetic location: 14q11.2.
Variant type: single nucleotide variant.
Coding change: c.4145G>A on transcript NM_000257.4 (MANE Select); coding-DNA position 4145, G replaced by A.
Protein change: p.Arg1382Gln; replaces arginine 1382 with glutamine.
Molecular consequence: missense variant.
Genome position (GRCh38, 1-based): chr14:23,418,234, C>T on the plus strand (G>A on the coding strand, the complement: MYH7 is on the minus strand). VCF-style: chr14-23418234-C-T. GRCh37 (hg19) VCF-style: chr14-23887443-C-T.
Other names: short protein forms R1382Q.
Identifiers: ClinVar variation 177788 (VCV000177788.72), dbSNP rs727504325, ClinGen allele CA014533.
Genomic context (GRCh38, chr14:23,418,234, plus strand): 5'-GGGCCTCAGCCAGAAGTCAGGCTGCTCAGAACTCACTTGGCCTCCTCGAGCTCCTCAGTC[C>T]GCTGAATGGCGTCCGTCTCATACTTGGTCCTCCACTGGGCCACCTCCGAGTTGGCCTTGG-3'
Protein context (NP_000248.2, residues 1372-1392): RTKYETDAIQ[Arg1382Gln]TEELEEAKKK